The following is an entry in ClinVar:

NM_001369.3(DNAH5):c.1639del (p.Leu547fs)

Gene: DNAH5 (dynein axonemal heavy chain 5; minus strand). Cytogenetic location: 5p15.2.
Variant type: Deletion.
Coding change: c.1639del on transcript NM_001369.3 (MANE Select); coding-DNA position 1639, one base deleted (C; older notation c.1639delC).
Protein change: p.Leu547fs; shifts the reading frame from leucine 547.
Molecular consequence: frameshift variant.
Genome position (GRCh38, 1-based): chr5:13,911,391, G deleted on the plus strand (C on the coding strand, the reverse complement: DNAH5 is on the minus strand); the first of 2 consecutive G bases (chr5:13,911,391-13,911,392); deleting either gives the same sequence. VCF-style (leftmost placement, unchanged base first): chr5-13911390-AG-A. GRCh37 (hg19) VCF-style: chr5-13911499-AG-A.
Other names: c.1639delC (NM_001369.2); short protein forms L547fs.
Identifiers: ClinVar variation 646752 (VCV000646752.9), dbSNP rs1580853061, ClinGen allele CA915943317.

ClinVar aggregate classification (germline): Pathogenic (1 of 4 stars; one submission).

Conditions:
Primary ciliary dyskinesia. Also called: Ciliary dyskinesia. Identifiers: Orphanet 244, MedGen C0008780, MONDO:0016575, HP:0012265.

Submission:

Labcorp Genetics (formerly Invitae), Labcorp
Classification: Pathogenic for Primary ciliary dyskinesia. Last evaluated: 2023-09-22. Review status: criteria provided, single submitter. Criteria: Invitae Variant Classification Sherloc (09022015). Collection method: clinical testing. Allele origin: germline.
Comment: This variant is not present in population databases (gnomAD no frequency). This sequence change creates a premature translational stop signal (p.Leu547Phefs*23) in the DNAH5 gene. It is expected to result in an absent or disrupted protein product. Loss-of-function variants in DNAH5 are known to be pathogenic (PMID: 11788826, 16627867). For these reasons, this variant has been classified as Pathogenic. ClinVar contains an entry for this variant (Variation ID: 646752). This variant has not been reported in the literature in individuals affected with DNAH5-related conditions.

Literature cited by the submitters: PubMed 11788826; PubMed 16627867.